The following is an entry in ClinVar:

ClinVar aggregate classification (germline): Uncertain significance. Review status: criteria provided, multiple submitters, no conflicts (2 of 4 stars). 2 submissions from 2 submitters: Uncertain significance (2). Last evaluated 2025-08-24.

Conditions:
Familial cancer of breast. Also called: BREAST CANCER, FAMILIAL; Hereditary breast cancer; hereditary breast carcinoma. Identifiers: Orphanet 227535, MedGen C0346153, MONDO:0016419, OMIM 114480. Disease mechanism: loss of function.
Hereditary cancer-predisposing syndrome. Also called: Neoplastic Syndromes, Hereditary; Tumor predisposition; Hereditary neoplastic syndrome; Hereditary Cancer Syndrome. Identifiers: Orphanet 140162, MedGen C0027672, MeSH D009386, MONDO:0015356.

Submissions (2):

Labcorp Genetics (formerly Invitae), Labcorp
Classification: Uncertain significance for Familial cancer of breast. Last evaluated: 2025-08-24. Review status: criteria provided, single submitter. Criteria: Invitae Variant Classification Sherloc (09022015). Collection method: clinical testing. Allele origin: germline.
Comment: This sequence change replaces threonine, which is neutral and polar, with serine, which is neutral and polar, at codon 1030 of the PALB2 protein (p.Thr1030Ser). This variant is not present in population databases (gnomAD no frequency). This variant has not been reported in the literature in individuals affected with PALB2-related conditions. ClinVar contains an entry for this variant (Variation ID: 2453285). Invitae Evidence Modeling of protein sequence and biophysical properties (such as structural, functional, and spatial information, amino acid conservation, physicochemical variation, residue mobility, and thermodynamic stability) indicates that this missense variant is expected to disrupt PALB2 protein function with a positive predictive value of 80%. In summary, the available evidence is currently insufficient to determine the role of this variant in disease. Therefore, it has been classified as a Variant of Uncertain Significance.

Ambry Genetics
Classification: Uncertain significance for Hereditary cancer-predisposing syndrome. Last evaluated: 2022-11-22. Review status: criteria provided, single submitter. Criteria: Ambry Variant Classification Scheme 2023. Collection method: clinical testing. Allele origin: germline.
Comment: The p.T1030S variant (also known as c.3089C>G), located in coding exon 10 of the PALB2 gene, results from a C to G substitution at nucleotide position 3089. The threonine at codon 1030 is replaced by serine, an amino acid with similar properties. This amino acid position is conserved. In addition, this alteration is predicted to be tolerated by in silico analysis. Since supporting evidence is limited at this time, the clinical significance of this alteration remains unclear.

NM_024675.4(PALB2):c.3089C>G (p.Thr1030Ser)

Gene: PALB2 (partner and localizer of BRCA2; minus strand). Cytogenetic location: 16p12.2.
Variant type: single nucleotide variant.
Coding change: c.3089C>G on transcript NM_024675.4 (MANE Select); coding-DNA position 3089, C replaced by G.
Protein change: p.Thr1030Ser; replaces threonine 1030 with serine.
Molecular consequence: missense variant. On other transcripts: intron variant (1).
Genome position (GRCh38, 1-based): chr16:23,621,386, G>C on the plus strand (C>G on the coding strand, the complement: PALB2 is on the minus strand). VCF-style: chr16-23621386-G-C. GRCh37 (hg19) VCF-style: chr16-23632707-G-C.
Other names: c.3029C>G, p.Thr1010Ser (NM_001407296.1); c.3017C>G, p.Thr1006Ser (NM_001407297.1); c.2927C>G, p.Thr976Ser (NM_001407298.1, NM_001407302.1); c.3089C>G, p.Thr1030Ser (NM_001407299.1, NM_001407301.1); c.2204C>G, p.Thr735Ser (NM_001407304.1, NM_001407305.1, NM_001407306.1 and 4 more transcripts); c.2042C>G, p.Thr681Ser (NM_001407307.1); c.1301C>G, p.Thr434Ser (NM_001407312.1, NM_001407313.1); c.623C>G, p.Thr208Ser (NM_001407314.1); and 1 more; short protein forms T1006S, T1030S, T976S, T208S, T434S, T681S, T735S, T1010S.
Identifiers: ClinVar variation 2453285 (VCV002453285.3), dbSNP rs876660109, ClinGen allele CA395142875.
Genomic context (GRCh38, chr16:23,621,386, plus strand): 5'-AGATGAGGGAACTGAGGACCTAGAGGGAAAGCTTACCAAATAACAATGTTGTTCATAATA[G>C]TAGTACCAAGCAGAGCTTCTTGCATCCCTTGGACCTCAGCAAAAGTTAGTATAGTCTCCT-3'
Protein context (NP_078951.2, residues 1020-1040): QGMQEALLGT[Thr1030Ser]IMNNIVIWNL